The following is an entry in ClinVar:

ClinVar aggregate classification (germline): Uncertain significance (1 of 4 stars; one submission).

Submission:

Labcorp Genetics (formerly Invitae), Labcorp
Classification: Uncertain significance. Last evaluated: 2022-09-21. Review status: criteria provided, single submitter. Criteria: Invitae Variant Classification Sherloc (09022015). Collection method: clinical testing. Allele origin: germline.
Comment: This sequence change replaces proline, which is neutral and non-polar, with serine, which is neutral and polar, at codon 550 of the NRIP1 protein (p.Pro550Ser). In summary, the available evidence is currently insufficient to determine the role of this variant in disease. Therefore, it has been classified as a Variant of Uncertain Significance. Algorithms developed to predict the effect of missense changes on protein structure and function are either unavailable or do not agree on the potential impact of this missense change (SIFT: "Tolerated"; PolyPhen-2: "Probably Damaging"; Align-GVGD: "Class C0"). This variant has not been reported in the literature in individuals affected with NRIP1-related conditions. This variant is not present in population databases (gnomAD no frequency).

NM_003489.4(NRIP1):c.1648C>T (p.Pro550Ser)

Gene: NRIP1 (nuclear receptor interacting protein 1; minus strand). Cytogenetic location: 21q11.2.
Variant type: single nucleotide variant.
Coding change: c.1648C>T on transcript NM_003489.4 (MANE Select); coding-DNA position 1648, C replaced by T.
Protein change: p.Pro550Ser; replaces proline 550 with serine.
Molecular consequence: missense variant.
Genome position (GRCh38, 1-based): chr21:14,966,545, G>A on the plus strand (C>T on the coding strand, the complement: NRIP1 is on the minus strand). VCF-style: chr21-14966545-G-A. GRCh37 (hg19) VCF-style: chr21-16338866-G-A.
Other names: short protein forms P550S.
Identifiers: ClinVar variation 2031603 (VCV002031603.4), dbSNP rs1600803415, ClinGen allele CA409829607.